The following is an entry in ClinVar:

ClinVar aggregate classification (germline): Likely pathogenic (1 of 4 stars; one submission).

Conditions:
Amelogenesis imperfecta type 1E. Also called: Amelogenesis imperfecta, hypomaturation type, with snow-capped teeth; Amelogenesis imperfecta X-linked 1; Enamel hypoplasia X-linked; ENAMEL HYPOPLASIA, X-LINKED 1; Amelogenesis Imperfecta, Hypoplastic/Hypomaturation, X-Linked 1. Identifiers: Orphanet 88661, MedGen C1845053, MONDO:0010521, OMIM 301200. Disease mechanism: loss of function.

Submission:

Pittsburgh Clinical Genomics Laboratory, University of Pittsburgh Medical Center
Classification: Likely pathogenic for Amelogenesis imperfecta type 1E. Last evaluated: 2024-06-26. Review status: criteria provided, single submitter. Criteria: ACMG Guidelines, 2015. Collection method: clinical testing. Allele origin: germline. Inheritance: X-linked dominant inheritance. Affected: yes.
Comment: This sequence variant is a single nucleotide substitution (G>A) 1 base downstream of the donor splice site of exon 5 of 7 in the AMELX gene. This variant is absent from ClinVar and has not been observed in individuals affected by an AMELX-related disorder in the published literature, to our knowledge. This variant is absent from the gnomAD v4.1.0 population database (0/~1200000) alleles). Multiple computational tools predict that this variant will cause aberrant splicing by disrupting the exon 5 splice donor site. The nucleotide at this position is highly conserved across the vertebrate species examined. Studies examining the functional consequence of this variant have not been published, to our knowledge. Based upon the evidence, we consider this variant to be likely pathogenic. ACMG Criteria: PM2, PVS1

NM_001142.2(AMELX):c.144+1G>A

Genes: AMELX (amelogenin X-linked; plus strand), ARHGAP6 (Rho GTPase activating protein 6; minus strand). Cytogenetic location: Xp22.2.
Variant type: single nucleotide variant.
Coding change: c.144+1G>A on transcript NM_001142.2 (MANE Select); the canonical splice donor site of the intron after coding-DNA position 144, G replaced by A.
Molecular consequence: splice donor variant. On other transcripts: intron variant (3).
Genome position (GRCh38, 1-based): chrX:11,298,278, G>A. VCF-style: chrX-11298278-G-A. GRCh37 (hg19) VCF-style: chrX-11316398-G-A.
Other names: c.589-43571C>T (NM_013427.3, NM_006125.3); c.49-43571C>T (NM_001287242.2); c.186+1G>A (NM_182680.1); c.96+1G>A (NM_182681.1).
Identifiers: ClinVar variation 3376363 (VCV003376363.1).